The following is an entry in ClinVar:

NM_001363711.2(DUOX2):c.4463C>T (p.Thr1488Ile)

Gene: DUOX2 (dual oxidase 2; minus strand). Cytogenetic location: 15q21.1.
Variant type: single nucleotide variant.
Coding change: c.4463C>T on transcript NM_001363711.2 (MANE Select); coding-DNA position 4463, C replaced by T.
Protein change: p.Thr1488Ile; replaces threonine 1488 with isoleucine.
Molecular consequence: missense variant.
Genome position (GRCh38, 1-based): chr15:45,094,624, G>A on the plus strand (C>T on the coding strand, the complement: DUOX2 is on the minus strand). VCF-style: chr15-45094624-G-A. GRCh37 (hg19) VCF-style: chr15-45386822-G-A.
Other names: c.4463C>T, p.Thr1488Ile (NM_014080.5); short protein forms T1488I.
Identifiers: ClinVar variation 2812912 (VCV002812912.3), dbSNP rs772727433, ClinGen allele CA7537505.

ClinVar aggregate classification (germline): Uncertain significance (1 of 4 stars; one submission).

Allele frequency attached by ClinVar (database versions not stated): gnomAD exomes below 0.00001; ExAC 0.00001; TOPMed 0.00002; gnomAD 0.00001.
gnomAD v4.1: 3 of 1,614,014 alleles (0.00019%); highest among the groups gnomAD compares: Admixed American, 0.0033%; no homozygotes.

Submission:

Labcorp Genetics (formerly Invitae), Labcorp
Classification: Uncertain significance. Last evaluated: 2025-09-28. Review status: criteria provided, single submitter. Criteria: Invitae Variant Classification Sherloc (09022015). Collection method: clinical testing. Allele origin: germline.
Comment: This sequence change replaces threonine, which is neutral and polar, with isoleucine, which is neutral and non-polar, at codon 1488 of the DUOX2 protein (p.Thr1488Ile). This variant is present in population databases (rs772727433, gnomAD 0.0009%). This variant has not been reported in the literature in individuals affected with DUOX2-related conditions. ClinVar contains an entry for this variant (Variation ID: 2812912). Invitae Evidence Modeling of protein sequence and biophysical properties (such as structural, functional, and spatial information, amino acid conservation, physicochemical variation, residue mobility, and thermodynamic stability) indicates that this missense variant is expected to disrupt DUOX2 protein function with a positive predictive value of 95%. In summary, the available evidence is currently insufficient to determine the role of this variant in disease. Therefore, it has been classified as a Variant of Uncertain Significance.